The following is an entry in ClinVar:

ClinVar aggregate classification (germline): Likely pathogenic (1 of 4 stars; one submission).

Conditions:
Parathyroid carcinoma (PRTC). Also called: CDC73-Related Parathyroid Carcinoma; Parathyroid gland carcinoma. Identifiers: Orphanet 143, MedGen C0687150, MONDO:0012004, OMIM 608266, HP:0006780.

Submission:

Labcorp Genetics (formerly Invitae), Labcorp
Classification: Likely pathogenic for Parathyroid carcinoma. Last evaluated: 2016-10-31. Review status: criteria provided, single submitter. Criteria: Invitae Variant Classification Sherloc (09022015). Collection method: clinical testing. Allele origin: germline.
Comment: In summary, donor and acceptor splice site variants are typically loss-of-function (PMID: 16199547), and loss-of-function variants in CDC73 are known to be pathogenic (PMID: 12434154). However, without additional functional and/or genetic data, this variant has been classified as Likely Pathogenic. This variant is not present in population databases (ExAC no frequency) and has not been reported in the literature in individuals with a CDC73-related disease. This sequence change affects a donor splice site in intron 7 of the CDC73 gene. It is expected to disrupt RNA splicing and likely results in an absent or disrupted protein product.

Literature cited by the submitters: PubMed 16199547; PubMed 12434154.

NM_024529.5(CDC73):c.729+1G>T

Gene: CDC73 (cell division cycle 73; plus strand). Cytogenetic location: 1q31.2.
Variant type: single nucleotide variant.
Coding change: c.729+1G>T on transcript NM_024529.5 (MANE Select); the canonical splice donor site of the intron after coding-DNA position 729, G replaced by T.
Molecular consequence: splice donor variant.
Genome position (GRCh38, 1-based): chr1:193,142,067, G>T. VCF-style: chr1-193142067-G-T. GRCh37 (hg19) VCF-style: chr1-193111197-G-T.
Identifiers: ClinVar variation 403883 (VCV000403883.7), dbSNP rs1060500012, ClinGen allele CA16609963.